The following is an entry in ClinVar:

ClinVar aggregate classification (germline): Uncertain significance. Review status: criteria provided, multiple submitters, no conflicts (2 of 4 stars). 2 submissions from 2 submitters: Uncertain significance (2). Last evaluated 2023-08-15.

Conditions:
Hereditary cancer-predisposing syndrome. Also called: Tumor predisposition; Hereditary Cancer Syndrome; Hereditary neoplastic syndrome; Neoplastic Syndromes, Hereditary. Identifiers: Orphanet 140162, MedGen C0027672, MeSH D009386, MONDO:0015356.

Submissions (2):

Ambry Genetics
Classification: Uncertain significance for Hereditary cancer-predisposing syndrome. Last evaluated: 2023-08-15. Review status: criteria provided, single submitter. Criteria: Ambry Variant Classification Scheme 2023. Collection method: clinical testing. Allele origin: germline.
Comment: The p.W500R variant (also known as c.1498T>C), located in coding exon 10 of the FH gene, results from a T to C substitution at nucleotide position 1498. The tryptophan at codon 500 is replaced by arginine, an amino acid with dissimilar properties. This amino acid position is highly conserved in available vertebrate species. In addition, this alteration is predicted to be deleterious by in silico analysis. Since supporting evidence is limited at this time, the clinical significance of this alteration remains unclear.

Labcorp Genetics (formerly Invitae), Labcorp
Classification: Uncertain significance. Last evaluated: 2022-10-20. Review status: criteria provided, single submitter. Criteria: Invitae Variant Classification Sherloc (09022015). Collection method: clinical testing. Allele origin: germline.
Comment: This sequence change replaces tryptophan, which is neutral and slightly polar, with arginine, which is basic and polar, at codon 500 of the FH protein (p.Trp500Arg). This variant is not present in population databases (gnomAD no frequency). This variant has not been reported in the literature in individuals affected with FH-related conditions. Advanced modeling of protein sequence and biophysical properties (such as structural, functional, and spatial information, amino acid conservation, physicochemical variation, residue mobility, and thermodynamic stability) performed at Invitae indicates that this missense variant is expected to disrupt FH protein function. In summary, the available evidence is currently insufficient to determine the role of this variant in disease. Therefore, it has been classified as a Variant of Uncertain Significance.

NM_000143.4(FH):c.1498T>C (p.Trp500Arg)

Gene: FH (fumarate hydratase; minus strand). Cytogenetic location: 1q43.
Variant type: single nucleotide variant.
Coding change: c.1498T>C on transcript NM_000143.4 (MANE Select); coding-DNA position 1498, T replaced by C.
Protein change: p.Trp500Arg; replaces tryptophan 500 with arginine.
Molecular consequence: missense variant.
Genome position (GRCh38, 1-based): chr1:241,497,863, A>G on the plus strand (T>C on the coding strand, the complement: FH is on the minus strand). VCF-style: chr1-241497863-A-G. GRCh37 (hg19) VCF-style: chr1-241661163-A-G.
Other names: short protein forms W500R.
Identifiers: ClinVar variation 2087849 (VCV002087849.6), dbSNP rs2527308350, ClinGen allele CA345450254.